The following is an entry in ClinVar:

NM_014975.3(MAST1):c.692G>A (p.Cys231Tyr)

Genes: MAST1 (microtubule associated serine/threonine kinase 1; plus strand), LOC117125587 (CRISPRi-FlowFISH-validated KLF1 and PRDX2 regulatory element; plus strand). Cytogenetic location: 19p13.13.
Variant type: single nucleotide variant.
Coding change: c.692G>A on transcript NM_014975.3 (MANE Select); coding-DNA position 692, G replaced by A.
Protein change: p.Cys231Tyr; replaces cysteine 231 with tyrosine.
Molecular consequence: missense variant.
Genome position (GRCh38, 1-based): chr19:12,847,975, G>A. VCF-style: chr19-12847975-G-A. GRCh37 (hg19) VCF-style: chr19-12958789-G-A.
Other names: short protein forms C231Y.
Identifiers: ClinVar variation 2577109 (VCV002577109.1), dbSNP rs2512524325, ClinGen allele CA404261592.

ClinVar aggregate classification (germline): Uncertain significance (1 of 4 stars; one submission).

Submission:

Women's Health and Genetics/Laboratory Corporation of America, LabCorp
Classification: Uncertain significance. Last evaluated: 2023-07-14. Review status: criteria provided, single submitter. Criteria: LabCorp Variant Classification Summary - May 2015. Collection method: clinical testing. Allele origin: germline.
Comment: Variant summary: MAST1 c.692G>A (p.Cys231Tyr) results in a non-conservative amino acid change located in the Microtubule-associated serine/threonine-protein kinase, pre-PK domain (IPR015022) of the encoded protein sequence. Four of five in-silico tools predict a damaging effect of the variant on protein function. The variant was absent in 251008 control chromosomes. The available data on variant occurrences in the general population are insufficient to allow any conclusion about variant significance. To our knowledge, no occurrence of c.692G>A in individuals affected with Mega-Corpus Syndrome With Cerebellar Hypoplasia And Cortical Malformations and no experimental evidence demonstrating its impact on protein function have been reported. No submitters have cited clinical-significance assessments for this variant to ClinVar after 2014. Based on the evidence outlined above, the variant was classified as uncertain significance.